The following is an entry in ClinVar:

NM_024408.4(NOTCH2):c.2239G>A (p.Ala747Thr)

Gene: NOTCH2 (notch receptor 2; minus strand). Cytogenetic location: 1p12.
Variant type: single nucleotide variant.
Coding change: c.2239G>A on transcript NM_024408.4 (MANE Select); coding-DNA position 2239, G replaced by A.
Protein change: p.Ala747Thr; replaces alanine 747 with threonine.
Molecular consequence: missense variant.
Genome position (GRCh38, 1-based): chr1:119,953,669, C>T on the plus strand (G>A on the coding strand, the complement: NOTCH2 is on the minus strand). VCF-style: chr1-119953669-C-T. GRCh37 (hg19) VCF-style: chr1-120496292-C-T.
Other names: c.2239G>A, p.Ala747Thr (NM_001200001.2); short protein forms A747T.
Identifiers: ClinVar variation 1431081 (VCV001431081.8), dbSNP rs782424159, ClinGen allele CA1040348.

ClinVar aggregate classification (germline): Uncertain significance. Review status: criteria provided, multiple submitters, no conflicts (2 of 4 stars). 2 submissions from 2 submitters: Uncertain significance (2). Last evaluated 2025-02-24.

Conditions:
Hajdu-Cheney syndrome (HJCYS). Also called: SERPENTINE FIBULA-POLYCYSTIC KIDNEY SYNDROME; ACROOSTEOLYSIS WITH OSTEOPOROSIS AND CHANGES IN SKULL AND MANDIBLE; Acroosteolysis dominant type. Identifiers: Orphanet 955, MedGen C0917715, MONDO:0007057, OMIM 102500.
Alagille syndrome due to a NOTCH2 point mutation. Also called: Alagille syndrome 2. Identifiers: Orphanet 261629, Orphanet 52, MedGen C1857761, MONDO:0012439, OMIM 610205.

Allele frequency attached by ClinVar (database versions not stated): gnomAD exomes below 0.00001; ExAC 0.00001.

Submissions (2):

Labcorp Genetics (formerly Invitae), Labcorp
Classification: Uncertain significance for Hajdu-Cheney syndrome. Last evaluated: 2025-02-24. Review status: criteria provided, single submitter. Criteria: Invitae Variant Classification Sherloc (09022015). Collection method: clinical testing. Allele origin: germline.
Comment: This sequence change replaces alanine, which is neutral and non-polar, with threonine, which is neutral and polar, at codon 747 of the NOTCH2 protein (p.Ala747Thr). This variant is present in population databases (rs782424159, gnomAD 0.003%). This variant has not been reported in the literature in individuals affected with NOTCH2-related conditions. ClinVar contains an entry for this variant (Variation ID: 1431081). Invitae Evidence Modeling of protein sequence and biophysical properties (such as structural, functional, and spatial information, amino acid conservation, physicochemical variation, residue mobility, and thermodynamic stability) indicates that this missense variant is not expected to disrupt NOTCH2 protein function with a negative predictive value of 80%. In summary, the available evidence is currently insufficient to determine the role of this variant in disease. Therefore, it has been classified as a Variant of Uncertain Significance.

Fulgent Genetics
Classification: Uncertain significance for Hajdu-Cheney syndrome; Alagille syndrome due to a NOTCH2 point mutation. Last evaluated: 2024-06-24. Review status: criteria provided, single submitter. Criteria: ACMG Guidelines, 2015. Collection method: clinical testing. Allele origin: germline.